The following is an entry in ClinVar:

ClinVar aggregate classification (germline): Likely pathogenic (1 of 4 stars; one submission).

Submission:

Athena Diagnostics
Classification: Likely pathogenic. Last evaluated: 2019-03-13. Review status: criteria provided, single submitter. Criteria: Athena Diagnostics Criteria. Collection method: clinical testing. Allele origin: germline.
Comment: Not found in the total gnomAD dataset, and the data is high quality (0/282470 chr). Predicted to have a damaging effect on the protein. Predicted to negatively affect a known splice site. Moderate co-segregation with disease in affected and unaffected individuals, but from a single family.

Literature cited by the submitters: PubMed 25614874.

NM_018972.4(GDAP1):c.116A>G (p.Lys39Arg)

Genes: GDAP1 (ganglioside induced differentiation associated protein 1; plus strand), LOC130000622 (ATAC-STARR-seq lymphoblastoid active region 27542; plus strand). Cytogenetic location: 8q21.11.
Variant type: single nucleotide variant.
Coding change: c.116A>G on transcript NM_018972.4 (MANE Select); coding-DNA position 116, A replaced by G.
Protein change: p.Lys39Arg; replaces lysine 39 with arginine.
Molecular consequence: missense variant. On other transcripts: 5 prime UTR variant (2), intron variant (1).
Genome position (GRCh38, 1-based): chr8:74,350,577, A>G. VCF-style: chr8-74350577-A-G. GRCh37 (hg19) VCF-style: chr8-75262812-A-G.
Other names: c.-67A>G (NM_001362929.2); c.116A>G, p.Lys39Arg (NM_001362930.2, NM_001362931.2); c.-19A>G (NM_001362932.2); c.-64+105A>G (NM_001040875.4); short protein forms K39R.
Identifiers: ClinVar variation 804864 (VCV000804864.1), dbSNP rs1586794308, ClinGen allele CA371499213.